The following is an entry in ClinVar:

ClinVar aggregate classification (germline): Uncertain significance (1 of 4 stars; one submission).

Submission:

GeneDx
Classification: Uncertain significance. Last evaluated: 2023-05-25. Review status: criteria provided, single submitter. Criteria: GeneDx Variant Classification Process June 2021. Collection method: clinical testing. Allele origin: germline. Affected: yes.
Comment: Not observed at significant frequency in large population cohorts (gnomAD); In silico analysis supports that this missense variant does not alter protein structure/function; Has not been previously published as pathogenic or benign to our knowledge

NM_001128840.3(CACNA1D):c.6359G>A (p.Gly2120Asp)

Gene: CACNA1D (calcium voltage-gated channel subunit alpha1 D; plus strand). Cytogenetic location: 3p21.1.
Variant type: single nucleotide variant.
Coding change: c.6359G>A on transcript NM_001128840.3 (MANE Select); coding-DNA position 6359, G replaced by A.
Protein change: p.Gly2120Asp; replaces glycine 2120 with aspartic acid.
Molecular consequence: missense variant.
Genome position (GRCh38, 1-based): chr3:53,811,279, G>A. VCF-style: chr3-53811279-G-A. GRCh37 (hg19) VCF-style: chr3-53845306-G-A.
Other names: c.6419G>A, p.Gly2140Asp (NM_000720.4); c.6287G>A, p.Gly2096Asp (NM_001128839.3); short protein forms G2096D, G2120D, G2140D.
Identifiers: ClinVar variation 3362081 (VCV003362081.1).